The following is an entry in ClinVar:

NM_001385641.1(SAMD11):c.794T>C (p.Val265Ala)

Gene: SAMD11 (sterile alpha motif domain containing 11; plus strand). Cytogenetic location: 1p36.33.
Variant type: single nucleotide variant.
Coding change: c.794T>C on transcript NM_001385641.1 (MANE Select); coding-DNA position 794, T replaced by C.
Protein change: p.Val265Ala; replaces valine 265 with alanine.
Molecular consequence: missense variant.
Genome position (GRCh38, 1-based): chr1:931,041, T>C. VCF-style: chr1-931041-T-C. GRCh37 (hg19) VCF-style: chr1-866421-T-C.
Other names: c.794T>C, p.Val265Ala (NM_001385640.1); c.257T>C, p.Val86Ala (NM_152486.4); short protein forms V86A, V265A.
Identifiers: ClinVar variation 1491011 (VCV001491011.6), dbSNP rs138703951, ClinGen allele CA337793271.

ClinVar aggregate classification (germline): Uncertain significance (1 of 4 stars; one submission).

gnomAD v4.1: 58 of 1,612,708 alleles (0.0036%); highest among the groups gnomAD compares: Admixed American, 0.097%; no homozygotes.

Submission:

Labcorp Genetics (formerly Invitae), Labcorp
Classification: Uncertain significance. Last evaluated: 2024-10-29. Review status: criteria provided, single submitter. Criteria: Invitae Variant Classification Sherloc (09022015). Collection method: clinical testing. Allele origin: germline.
Comment: This sequence change replaces valine, which is neutral and non-polar, with alanine, which is neutral and non-polar, at codon 86 of the SAMD11 protein (p.Val86Ala). This variant is present in population databases (no rsID available, gnomAD 0.05%). This variant has not been reported in the literature in individuals affected with SAMD11-related conditions. ClinVar contains an entry for this variant (Variation ID: 1491011). An algorithm developed to predict the effect of missense changes on protein structure and function (PolyPhen-2) suggests that this variant is likely to be tolerated. In summary, the available evidence is currently insufficient to determine the role of this variant in disease. Therefore, it has been classified as a Variant of Uncertain Significance.